The following is an entry in ClinVar:

NM_001017979.3(RAB28):c.549_552del (p.Asn183fs)

Gene: RAB28 (RAB28, member RAS oncogene family; minus strand). Cytogenetic location: 4p15.33.
Variant type: Deletion.
Coding change: c.549_552del on transcript NM_001017979.3 (MANE Select); coding-DNA positions 549 to 552, 4 bases deleted (CAAA; older notation c.549_552delCAAA).
Protein change: p.Asn183fs; shifts the reading frame from asparagine 183.
Molecular consequence: frameshift variant.
Genome position (GRCh38, 1-based): chr4:13,376,566-13,376,569, TTTG deleted on the plus strand (CAAA on the coding strand, the reverse complement: RAB28 is on the minus strand); deleting any 4 consecutive bases within chr4:13,376,566-13,376,572 gives the same sequence; the c. name uses the placement nearest the transcript's 3' end. VCF-style (leftmost placement, unchanged base first): chr4-13376565-CTTTG-C. GRCh37 (hg19) VCF-style: chr4-13378189-CTTTG-C.
Other names: c.549_552del, p.Asn183fs (NM_001159601.2, NM_004249.4); short protein forms N183fs.
Identifiers: ClinVar variation 1481177 (VCV001481177.7), dbSNP rs772157574, ClinGen allele CA2860039.
Genomic context (GRCh38, chr4:13,376,565, plus strand): 5'-AATTCATTAATTTTTTAAATATAAAGTTCAAGGTAATCACCTGTGACTGTTCTATTTCTG[CTTTG>C]TTTAATTTGATCCCAAGGATTTCAGCAGCAACTTTCTGAAAGCACAGGAAGACCTACATA-3'

ClinVar aggregate classification (germline): Pathogenic/Likely pathogenic. Review status: criteria provided, multiple submitters, no conflicts (2 of 4 stars). 2 submissions from 2 submitters: Pathogenic (1); Likely pathogenic (1). Last evaluated 2025-06-05.

Conditions:
RAB28-related disorder. Also called: RAB28-related condition.

Submissions (2):

Labcorp Genetics (formerly Invitae), Labcorp
Classification: Pathogenic. Last evaluated: 2025-06-05. Review status: criteria provided, single submitter. Criteria: Invitae Variant Classification Sherloc (09022015). Collection method: clinical testing. Allele origin: germline.
Comment: This sequence change creates a premature translational stop signal (p.Asn183Lysfs*4) in the RAB28 gene. It is expected to result in an absent or disrupted protein product. Loss-of-function variants in RAB28 are known to be pathogenic (PMID: 23746546, 25356532, 27529348). This variant is present in population databases (rs772157574, gnomAD 0.01%). This variant has not been reported in the literature in individuals affected with RAB28-related conditions. ClinVar contains an entry for this variant (Variation ID: 1481177). For these reasons, this variant has been classified as Pathogenic.

Blueprint Genetics
Classification: Likely pathogenic for RAB28-related disorders. Last evaluated: 2021-10-19. Review status: criteria provided, single submitter. Criteria: ACMG Guidelines, 2015. Collection method: clinical testing. Allele origin: germline. Affected: yes. Observed: 3 variant alleles.

Literature cited by the submitters: PubMed 23746546 (cited by Labcorp Genetics (formerly Invitae), Labcorp); PubMed 25356532 (cited by Labcorp Genetics (formerly Invitae), Labcorp); PubMed 27529348 (cited by Labcorp Genetics (formerly Invitae), Labcorp).